The following is an entry in ClinVar:

ClinVar aggregate classification (germline): Uncertain significance (1 of 4 stars; one submission).

gnomAD v4.1: 17 of 1,206,251 alleles (0.0014%); highest among the groups gnomAD compares: Non-Finnish European, 0.0019%; no homozygotes.

Submission:

Labcorp Genetics (formerly Invitae), Labcorp
Classification: Uncertain significance. Last evaluated: 2024-06-08. Review status: criteria provided, single submitter. Criteria: Invitae Variant Classification Sherloc (09022015). Collection method: clinical testing. Allele origin: germline.
Comment: This sequence change replaces alanine, which is neutral and non-polar, with serine, which is neutral and polar, at codon 318 of the NYX protein (p.Ala318Ser). This variant is not present in population databases (gnomAD no frequency). This variant has not been reported in the literature in individuals affected with NYX-related conditions. Advanced modeling of protein sequence and biophysical properties (such as structural, functional, and spatial information, amino acid conservation, physicochemical variation, residue mobility, and thermodynamic stability) performed at Invitae indicates that this missense variant is not expected to disrupt NYX protein function with a negative predictive value of 80%. In summary, the available evidence is currently insufficient to determine the role of this variant in disease. Therefore, it has been classified as a Variant of Uncertain Significance.

NM_001378477.3(NYX):c.937G>T (p.Ala313Ser)

Gene: NYX (nyctalopin; plus strand). Cytogenetic location: Xp11.4.
Variant type: single nucleotide variant.
Coding change: c.937G>T on transcript NM_001378477.3 (MANE Select); coding-DNA position 937, G replaced by T.
Protein change: p.Ala313Ser; replaces alanine 313 with serine.
Molecular consequence: missense variant.
Genome position (GRCh38, 1-based): chrX:41,474,405, G>T. VCF-style: chrX-41474405-G-T. GRCh37 (hg19) VCF-style: chrX-41333658-G-T.
Other names: c.937G>T, p.Ala313Ser (NM_022567.3); short protein forms A313S.
Identifiers: ClinVar variation 3674521 (VCV003674521.2).